The following is an entry in ClinVar:

NM_003172.4(SURF1):c.842T>G (p.Leu281Arg)

Gene: SURF1 (SURF1 cytochrome c oxidase assembly factor; minus strand). Cytogenetic location: 9q34.2.
Variant type: single nucleotide variant.
Coding change: c.842T>G on transcript NM_003172.4 (MANE Select); coding-DNA position 842, T replaced by G.
Protein change: p.Leu281Arg; replaces leucine 281 with arginine.
Molecular consequence: missense variant.
Genome position (GRCh38, 1-based): chr9:133,351,974, A>C on the plus strand (T>G on the coding strand, the complement: SURF1 is on the minus strand). VCF-style: chr9-133351974-A-C. GRCh37 (hg19) VCF-style: chr9-136218829-A-C.
Other names: c.515T>G, p.Leu172Arg (NM_001280787.1); short protein forms L172R, L281R.
Identifiers: ClinVar variation 1320361 (VCV001320361.2), dbSNP rs1272896177, ClinGen allele CA375693398.

ClinVar aggregate classification (germline): Uncertain significance (1 of 4 stars; one submission).

Submission:

GeneDx
Classification: Uncertain significance. Last evaluated: 2020-08-25. Review status: criteria provided, single submitter. Criteria: GeneDx Variant Classification Process June 2021. Collection method: clinical testing. Allele origin: germline. Affected: yes.
Comment: Not observed in large population cohorts (Lek et al., 2016); In silico analysis, which includes protein predictors and evolutionary conservation, supports a deleterious effect; A different missense change at this residue (p.L281P) has been reported in an individual with autosomal recessive Leigh syndrome in the published literature (Srivastava et al., 2009); Has not been previously published as pathogenic or benign to our knowledge